The following is an entry in ClinVar:

NM_023110.3(FGFR1):c.*906A>T

Genes: FGFR1 (fibroblast growth factor receptor 1; minus strand), LOC102723716 (uncharacterized LOC102723716; minus strand). Cytogenetic location: 8p11.23.
Variant type: single nucleotide variant.
Coding change: c.*906A>T on transcript NM_023110.3 (MANE Select); 906 bases downstream of the stop codon, A replaced by T.
Molecular consequence: 3 prime UTR variant. On other transcripts: intron variant (3).
Genome position (GRCh38, 1-based): chr8:38,412,722, T>A on the plus strand (A>T on the coding strand, the complement: FGFR1 is on the minus strand). VCF-style: chr8-38412722-T-A. GRCh37 (hg19) VCF-style: chr8-38270240-T-A.
Other names: c.*906A>T (NM_001174063.2, NM_001174064.2, NM_001174065.2 and 6 more transcripts); c.2020-127A>T (NM_001354370.2); c.2287-127A>T (NM_001354367.2); c.2281-127A>T (NM_001354369.2).
Identifiers: ClinVar variation 362878 (VCV000362878.29), dbSNP rs139347382, ClinGen allele CA10630962.

ClinVar aggregate classification (germline): Benign/Likely benign. Review status: criteria provided, multiple submitters, no conflicts (2 of 4 stars). 5 submissions from 2 submitters: Benign (3); Likely benign (2). Last evaluated 2023-06-01.

Conditions:
Craniosynostosis syndrome. Also called: Craniosynostosis. Identifiers: Orphanet 1531, MedGen C0010278, MeSH D003398, MONDO:0015469, HP:0001363.
Hypogonadotropic hypogonadism 2 with or without anosmia (HH2). Also called: HYPOGONADOTROPIC HYPOGONADISM 2 WITHOUT ANOSMIA; HYPOGONADOTROPIC HYPOGONADISM 2 WITH OR WITHOUT ANOSMIA, SUSCEPTIBILITY TO; HYPOGONADOTROPIC HYPOGONADISM 2 WITHOUT ANOSMIA, SUSCEPTIBILITY TO; FGFR1-Related GnRH Deficiency (Kallmann Syndrome 2). Identifiers: Orphanet 478, MedGen C1563720, MONDO:0007844, OMIM 147950. Disease mechanism: loss of function.
Trigonocephaly 1 (TRIGNO1). Identifiers: Orphanet 3366, MedGen C0432122, MONDO:0008603, OMIM 190440.
Osteoglophonic dysplasia (OGD). Also called: Osteoglophonic dwarfism. Identifiers: Orphanet 2645, MedGen C0432283, MONDO:0008150, OMIM 166250.

Allele frequency attached by ClinVar (database versions not stated): 1000 Genomes Project 0.00180; 1000 Genomes Project 30x 0.00203; gnomAD 0.00249; TOPMed 0.00340; gnomAD exomes 0.00451.
gnomAD v4.1: 852 of 233,438 alleles (0.36%); highest among the groups gnomAD compares: Admixed American, 0.57%; 3 homozygotes.

Submissions (5):

CeGaT Center for Human Genetics Tuebingen
Classification: Likely benign. Last evaluated: 2023-06-01. Review status: criteria provided, single submitter. Criteria: CeGaT Center For Human Genetics Tuebingen Variant Classification Criteria Version 2. Collection method: clinical testing. Allele origin: germline. Affected: yes. Observed: 9 variant alleles.
Comment: FGFR1: BS1

Illumina Laboratory Services, Illumina
Classification: Benign for Osteoglophonic dysplasia. Last evaluated: 2018-01-12. Review status: criteria provided, single submitter. Criteria: ICSL Variant Classification Criteria 13 December 2019. Collection method: clinical testing. Allele origin: germline.
Comment: This variant was observed in the ICSL laboratory as part of a predisposition screen in an ostensibly healthy population. It had not been previously curated by ICSL or reported in the Human Gene Mutation Database (HGMD: prior to June 1st, 2018), and was therefore a candidate for classification through an automated scoring system. Utilizing variant allele frequency, disease prevalence and penetrance estimates, and inheritance mode, an automated score was calculated to assess if this variant is too frequent to cause the disease. Based on the score and internal cut-off values, a variant classified as benign is not then subjected to further curation. The score for this variant resulted in a classification of benign for this disease.

Illumina Laboratory Services, Illumina
Classification: Benign for Craniosynostosis. Last evaluated: 2018-01-12. Review status: criteria provided, single submitter. Criteria: ICSL Variant Classification Criteria 13 December 2019. Collection method: clinical testing. Allele origin: germline.
Comment: the same text as in the submission from Illumina Laboratory Services, Illumina above.

Illumina Laboratory Services, Illumina
Classification: Benign for Trigonocephaly 1. Last evaluated: 2018-01-12. Review status: criteria provided, single submitter. Criteria: ICSL Variant Classification Criteria 13 December 2019. Collection method: clinical testing. Allele origin: germline.
Comment: the same text as in the submission from Illumina Laboratory Services, Illumina above.

Illumina Laboratory Services, Illumina
Classification: Likely benign for Hypogonadotropic hypogonadism 2 with or without anosmia. Last evaluated: 2018-01-12. Review status: criteria provided, single submitter. Criteria: ICSL Variant Classification Criteria 13 December 2019. Collection method: clinical testing. Allele origin: germline.
Comment: This variant was observed in the ICSL laboratory as part of a predisposition screen in an ostensibly healthy population. It had not been previously curated by ICSL or reported in the Human Gene Mutation Database (HGMD: prior to June 1st, 2018), and was therefore a candidate for classification through an automated scoring system. Utilizing variant allele frequency, disease prevalence and penetrance estimates, and inheritance mode, an automated score was calculated to assess if this variant is too frequent to cause the disease. Based on the score and internal cut-off values, a variant classified as likely benign is not then subjected to further curation. The score for this variant resulted in a classification of likely benign for this disease.